The following is an entry in ClinVar:

NM_001128178.3(NPHP1):c.*4T>G

Gene: NPHP1 (nephrocystin 1; minus strand). Cytogenetic location: 2q13.
Variant type: single nucleotide variant.
Coding change: c.*4T>G on transcript NM_001128178.3 (MANE Select); 4 bases downstream of the stop codon, T replaced by G.
Molecular consequence: 3 prime UTR variant.
Genome position (GRCh38, 1-based): chr2:110,123,787, A>C on the plus strand (T>G on the coding strand, the complement: NPHP1 is on the minus strand). VCF-style: chr2-110123787-A-C. GRCh37 (hg19) VCF-style: chr2-110881364-A-C.
Other names: c.*4T>G (NM_000272.5, NM_001128179.3, NM_001374256.1 and 1 more transcripts); c.*280T>G (NM_001374257.1).
Identifiers: ClinVar variation 4996172 (VCV004996172.1).

ClinVar aggregate classification (germline): Likely benign (1 of 4 stars; one submission).

Conditions:
NPHP1-related disorder. Also called: NPHP1-related disorders; NPHP1-related condition.

gnomAD v4.1: 1 of 1,613,738 alleles (0.000062%); highest among the groups gnomAD compares: Non-Finnish European, 0.000085%; no homozygotes.

Submission:

PreventionGenetics, part of Exact Sciences
Classification: Likely benign for NPHP1-related condition. Last evaluated: 2025-02-07. Review status: criteria provided, single submitter. Criteria: ACMG Guidelines, 2015. Collection method: clinical testing. Allele origin: germline.
Comment: This variant is classified as likely benign based on ACMG/AMP sequence variant interpretation guidelines (Richards et al. 2015 PMID: 25741868, with internal and published modifications).